The following is an entry in ClinVar:

NM_015559.3(SETBP1):c.4621C>A (p.Pro1541Thr)

Gene: SETBP1 (SET binding protein 1; plus strand). Cytogenetic location: 18q12.3.
Variant type: single nucleotide variant.
Coding change: c.4621C>A on transcript NM_015559.3 (MANE Select); coding-DNA position 4621, C replaced by A.
Protein change: p.Pro1541Thr; replaces proline 1541 with threonine.
Molecular consequence: missense variant.
Genome position (GRCh38, 1-based): chr18:45,063,528, C>A. VCF-style: chr18-45063528-C-A. GRCh37 (hg19) VCF-style: chr18-42643493-C-A.
Other names: c.4621C>A (NM_015559.2); c.4621C>A, p.Pro1541Thr (NM_001379141.1, NM_001379142.1); short protein forms P1541T.
Identifiers: ClinVar variation 1365084 (VCV001365084.9), dbSNP rs1160327714, ClinGen allele CA402483799.

ClinVar aggregate classification (germline): Uncertain significance. Review status: criteria provided, multiple submitters, no conflicts (2 of 4 stars). 2 submissions from 2 submitters: Uncertain significance (2). Last evaluated 2025-03-23.

Conditions:
Inborn genetic diseases. Identifiers: MedGen C0950123, MeSH D030342.

Allele frequency attached by ClinVar (database versions not stated): gnomAD exomes below 0.00001.

Submissions (2):

Labcorp Genetics (formerly Invitae), Labcorp
Classification: Uncertain significance. Last evaluated: 2025-03-23. Review status: criteria provided, single submitter. Criteria: Invitae Variant Classification Sherloc (09022015). Collection method: clinical testing. Allele origin: germline.
Comment: This sequence change replaces proline, which is neutral and non-polar, with threonine, which is neutral and polar, at codon 1541 of the SETBP1 protein (p.Pro1541Thr). This variant is not present in population databases (gnomAD no frequency). This variant has not been reported in the literature in individuals affected with SETBP1-related conditions. ClinVar contains an entry for this variant (Variation ID: 1365084). Invitae Evidence Modeling of protein sequence and biophysical properties (such as structural, functional, and spatial information, amino acid conservation, physicochemical variation, residue mobility, and thermodynamic stability) indicates that this missense variant is not expected to disrupt SETBP1 protein function with a negative predictive value of 80%. In summary, the available evidence is currently insufficient to determine the role of this variant in disease. Therefore, it has been classified as a Variant of Uncertain Significance.

Ambry Genetics
Classification: Uncertain significance for Inborn genetic diseases. Last evaluated: 2025-01-16. Review status: criteria provided, single submitter. Criteria: Ambry Variant Classification Scheme 2023. Collection method: clinical testing. Allele origin: germline.